The following is an entry in ClinVar:

NM_001267550.2(TTN):c.60348G>A (p.Gly20116=)

Genes: TTN (titin; minus strand), TTN-AS1 (TTN antisense RNA 1; plus strand). Cytogenetic location: 2q31.2.
Variant type: single nucleotide variant.
Coding change: c.60348G>A on transcript NM_001267550.2 (MANE Select); coding-DNA position 60348, G replaced by A.
Protein change: p.Gly20116=; no amino-acid change (glycine 20116 retained).
Molecular consequence: synonymous variant.
Genome position (GRCh38, 1-based): chr2:178,591,377, C>T on the plus strand (G>A on the coding strand, the complement: TTN is on the minus strand). VCF-style: chr2-178591377-C-T. GRCh37 (hg19) VCF-style: chr2-179456104-C-T.
Other names: c.55425G>A, p.Gly18475= (NM_001256850.1); c.33153G>A, p.Gly11051= (NM_003319.4); c.52644G>A, p.Gly17548= (NM_133378.4); c.33528G>A, p.Gly11176= (NM_133432.3); c.33729G>A, p.Gly11243= (NM_133437.4).
Identifiers: ClinVar variation 1620672 (VCV001620672.10), dbSNP rs2050156802, ClinGen allele CA430266476.
Genomic context (GRCh38, chr2:178,591,377, plus strand): 5'-AAGTACTGATGAGAAGTTGTCTGTTTCAACTGTGTAGTGCTCATCGGTTTTAATCTCACT[C>T]CCATCGGTTGTCCACTTTGCAGTAGGAACAGGCACACCTCTTATAATAGCAGGGAATCTG-3'
Protein context (NP_001254479.2, residues 20106-20126): PVPTAKWTTD[Gly20116=]SEIKTDEHYT

ClinVar aggregate classification (germline): Likely benign. Review status: criteria provided, multiple submitters, no conflicts (2 of 4 stars). 3 submissions from 3 submitters: Likely benign (3). Last evaluated 2025-04-09.

Conditions:
Cardiovascular phenotype. Identifiers: MedGen CN230736.
Autosomal recessive limb-girdle muscular dystrophy type 2J (LGMDR10). Also called: Limb-girdle muscular dystrophy, type 2J; MUSCULAR DYSTROPHY, LIMB-GIRDLE, AUTOSOMAL RECESSIVE 10. Identifiers: Orphanet 140922, MedGen C1837342, MONDO:0012127, OMIM 608807.
Dilated cardiomyopathy 1G (CMD1G). Identifiers: Orphanet 154, MedGen C1858763, MONDO:0011400, OMIM 604145.

Allele frequency attached by ClinVar (database versions not stated): TOPMed below 0.00001.

Submissions (3):

Molecular Diagnostic Laboratory for Inherited Cardiovascular Disease, Montreal Heart Institute
Classification: Likely benign. Last evaluated: 2025-04-09. Review status: criteria provided, single submitter. Criteria: ACMG Guidelines, 2015. Collection method: clinical testing. Allele origin: germline. Affected: no.
Comment: BP6;BP7

Ambry Genetics
Classification: Likely benign for Cardiovascular phenotype. Last evaluated: 2023-11-29. Review status: criteria provided, single submitter. Criteria: Ambry Variant Classification Scheme 2023. Collection method: clinical testing. Allele origin: germline.

Labcorp Genetics (formerly Invitae), Labcorp
Classification: Likely benign for Dilated cardiomyopathy 1G; Autosomal recessive limb-girdle muscular dystrophy type 2J. Last evaluated: 2022-11-17. Review status: criteria provided, single submitter. Criteria: Invitae Variant Classification Sherloc (09022015). Collection method: clinical testing. Allele origin: germline.